The following is an entry in ClinVar:

ClinVar aggregate classification (germline): Uncertain significance (1 of 4 stars; one submission).

Conditions:
Alstrom syndrome (ALMS). Identifiers: Orphanet 64, MedGen C0268425, MONDO:0008763, OMIM 203800.

Submission:

Labcorp Genetics (formerly Invitae), Labcorp
Classification: Uncertain significance for Alstrom syndrome. Last evaluated: 2017-04-03. Review status: criteria provided, single submitter. Criteria: Invitae Variant Classification Sherloc (09022015). Collection method: clinical testing. Allele origin: germline.
Comment: Algorithms developed to predict the effect of missense changes on protein structure and function output the following: SIFT: "Tolerated"; Align-GVGD: "Class C0". In summary, this variant is a novel missense change with uncertain impact on protein function. It has been classified as a Variant of Uncertain Significance. This variant is not present in population databases (ExAC no frequency) and has not been reported in the literature in individuals with a ALMS1-related disease. This sequence change replaces glycine with alanine at codon 508 of the ALMS1 protein (p.Gly508Ala). The glycine residue is weakly conserved and there is a small physicochemical difference between glycine and alanine.

NM_001378454.1(ALMS1):c.1520G>C (p.Gly507Ala)

Gene: ALMS1 (ALMS1 centrosome and basal body associated protein; plus strand). Cytogenetic location: 2p13.1.
Variant type: single nucleotide variant.
Coding change: c.1520G>C on transcript NM_001378454.1 (MANE Select); coding-DNA position 1520, G replaced by C.
Protein change: p.Gly507Ala; replaces glycine 507 with alanine.
Molecular consequence: missense variant.
Genome position (GRCh38, 1-based): chr2:73,448,047, G>C. VCF-style: chr2-73448047-G-C. GRCh37 (hg19) VCF-style: chr2-73675177-G-C.
Other names: c.1523G>C, p.Gly508Ala (NM_015120.4); short protein forms G508A, G507A.
Identifiers: ClinVar variation 459856 (VCV000459856.7), dbSNP rs1553403257, ClinGen allele CA347264641.